The following is an entry in ClinVar:

NM_198904.4(GABRG2):c.632-2A>T

Gene: GABRG2 (gamma-aminobutyric acid type A receptor subunit gamma2; plus strand). Cytogenetic location: 5q34.
Variant type: single nucleotide variant.
Coding change: c.632-2A>T on transcript NM_198904.4 (MANE Select); the canonical splice acceptor site of the intron before coding-DNA position 632, A replaced by T.
Molecular consequence: splice acceptor variant.
Genome position (GRCh38, 1-based): chr5:162,103,887, A>T. VCF-style: chr5-162103887-A-T. GRCh37 (hg19) VCF-style: chr5-161530893-A-T.
Other names: c.347-2A>T (NM_001375349.1); c.752-2A>T (NM_001375343.1, NM_198903.2); c.632-2A>T (NM_001375344.1, NM_001375340.1, NM_001375341.1 and 2 more transcripts); c.212-2A>T (NM_001375350.1, NM_001375348.1); c.623-2A>T (NM_001375339.1); c.566-2A>T (NM_001375346.1, NM_001375345.1); c.545-2A>T (NM_001375347.1).
Identifiers: ClinVar variation 1066883 (VCV001066883.7), dbSNP rs2113370272, ClinGen allele CA362184956.

ClinVar aggregate classification (germline): Likely pathogenic (1 of 4 stars; one submission).

Conditions:
EPILEPSY, CHILDHOOD ABSENCE, SUSCEPTIBILITY TO, 2 (ECA2). Identifiers: Orphanet 64280, MedGen C1843244, OMIM 607681.
Febrile seizures, familial, 8 (FEB8). Also called: CONVULSIONS, FAMILIAL FEBRILE, 8. Identifiers: Orphanet 36387, MedGen C1969810, MONDO:0011891, OMIM 607681.

Submission:

Labcorp Genetics (formerly Invitae), Labcorp
Classification: Likely pathogenic for Febrile seizures, familial, 8; EPILEPSY, CHILDHOOD ABSENCE, SUSCEPTIBILITY TO, 2. Last evaluated: 2021-08-19. Review status: criteria provided, single submitter. Criteria: Invitae Variant Classification Sherloc (09022015). Collection method: clinical testing. Allele origin: germline.
Comment: This variant has not been reported in the literature in individuals affected with GABRG2-related conditions. This sequence change affects an acceptor splice site in intron 5 of the GABRG2 gene. It is expected to disrupt RNA splicing. Variants that disrupt the donor or acceptor splice site typically lead to a loss of protein function (PMID: 16199547), and loss-of-function variants in GABRG2 are known to be pathogenic (PMID: 22539854, 22750526, 24407264). This variant is not present in population databases (ExAC no frequency). ClinVar contains an entry for this variant (Variation ID: 1066883). Algorithms developed to predict the effect of sequence changes on RNA splicing suggest that this variant may disrupt the consensus splice site. In summary, the currently available evidence indicates that the variant is pathogenic, but additional data are needed to prove that conclusively. Therefore, this variant has been classified as Likely Pathogenic.

Literature cited by the submitters: PubMed 16199547; PubMed 22539854; PubMed 22750526; PubMed 24407264.